The following is an entry in ClinVar:

ClinVar aggregate classification (germline): Uncertain significance (1 of 4 stars; one submission).

Submission:

GeneDx
Classification: Uncertain significance. Last evaluated: 2025-05-29. Review status: criteria provided, single submitter. Criteria: GeneDx Variant Classification Process June 2021. Collection method: clinical testing. Allele origin: germline. Affected: yes.
Comment: Not observed at significant frequency in large population cohorts (gnomAD); In silico analysis supports that this missense variant has a deleterious effect on protein structure/function; Has not been previously published as pathogenic or benign to our knowledge

NM_002025.4(AFF2):c.2663C>T (p.Pro888Leu)

Gene: AFF2 (ALF transcription elongation factor 2; plus strand). Cytogenetic location: Xq28.
Variant type: single nucleotide variant.
Coding change: c.2663C>T on transcript NM_002025.4 (MANE Select); coding-DNA position 2663, C replaced by T.
Protein change: p.Pro888Leu; replaces proline 888 with leucine.
Molecular consequence: missense variant.
Genome position (GRCh38, 1-based): chrX:148,958,431, C>T. VCF-style: chrX-148958431-C-T. GRCh37 (hg19) VCF-style: chrX-148039961-C-T.
Other names: c.2564C>T, p.Pro855Leu (NM_001169122.2); c.2633C>T, p.Pro878Leu (NM_001169123.2); c.2558C>T, p.Pro853Leu (NM_001169124.2); c.2546C>T, p.Pro849Leu (NM_001169125.2); c.1586C>T, p.Pro529Leu (NM_001170628.1); short protein forms P529L, P849L, P853L, P855L, P878L, P888L.
Identifiers: ClinVar variation 4532703 (VCV004532703.1).